The following is an entry in ClinVar:

NM_001130438.3(SPTAN1):c.298G>A (p.Val100Ile)

Gene: SPTAN1 (spectrin alpha, non-erythrocytic 1; plus strand). Cytogenetic location: 9q34.11.
Variant type: single nucleotide variant.
Coding change: c.298G>A on transcript NM_001130438.3 (MANE Select); coding-DNA position 298, G replaced by A.
Protein change: p.Val100Ile; replaces valine 100 with isoleucine.
Molecular consequence: missense variant.
Genome position (GRCh38, 1-based): chr9:128,568,832, G>A. VCF-style: chr9-128568832-G-A. GRCh37 (hg19) VCF-style: chr9-131331111-G-A.
Other names: c.298G>A, p.Val100Ile (NM_001195532.2, NM_001363759.2, NM_001363765.2 and 5 more transcripts); c.334G>A, p.Val112Ile (NM_001375312.2, NM_001375318.1); short protein forms V112I, V100I.
Identifiers: ClinVar variation 2897649 (VCV002897649.3), dbSNP rs771631539, ClinGen allele CA5264139.

ClinVar aggregate classification (germline): Uncertain significance (1 of 4 stars; one submission).

Conditions:
Early-infantile DEE. Also called: Early infantile epileptic encephalopathy; Ohtahara syndrome; Early infantile epileptic encephalopathy with suppression bursts. Identifiers: Orphanet 1934, MedGen C0393706, MONDO:0800491.

Allele frequency attached by ClinVar (database versions not stated): gnomAD exomes 0.00001; ExAC 0.00001.
gnomAD v4.1: 3 of 1,614,144 alleles (0.00019%); highest among the groups gnomAD compares: Non-Finnish European, 0.00025%; no homozygotes.

Submission:

Labcorp Genetics (formerly Invitae), Labcorp
Classification: Uncertain significance for Early-infantile DEE. Last evaluated: 2023-08-27. Review status: criteria provided, single submitter. Criteria: Invitae Variant Classification Sherloc (09022015). Collection method: clinical testing. Allele origin: germline.
Comment: This sequence change replaces valine, which is neutral and non-polar, with isoleucine, which is neutral and non-polar, at codon 100 of the SPTAN1 protein (p.Val100Ile). This variant is present in population databases (rs771631539, gnomAD 0.0009%). In summary, the available evidence is currently insufficient to determine the role of this variant in disease. Therefore, it has been classified as a Variant of Uncertain Significance. Advanced modeling of protein sequence and biophysical properties (such as structural, functional, and spatial information, amino acid conservation, physicochemical variation, residue mobility, and thermodynamic stability) has been performed at Invitae for this missense variant, however the output from this modeling did not meet the statistical confidence thresholds required to predict the impact of this variant on SPTAN1 protein function. This variant has not been reported in the literature in individuals affected with SPTAN1-related conditions.